The following is an entry in ClinVar:

ClinVar aggregate classification (germline): Conflicting classifications of pathogenicity. Review status: criteria provided, conflicting classifications (1 of 4 stars). 5 submissions from 5 submitters: Uncertain significance (3); Likely benign (2). Last evaluated 2025-10-16.

Conditions:
Hereditary cancer-predisposing syndrome. Also called: Hereditary neoplastic syndrome; Tumor predisposition; Hereditary Cancer Syndrome; Neoplastic Syndromes, Hereditary. Identifiers: Orphanet 140162, MedGen C0027672, MeSH D009386, MONDO:0015356.
Hereditary breast ovarian cancer syndrome. Also called: Hereditary breast and ovarian cancer syndrome (HBOC); Hereditary breast and ovarian cancer; BRCA1- and BRCA2-Associated Hereditary Breast and Ovarian Cancer; Breast and ovarian cancer; Hereditary breast and ovarian cancer syndrome; Hereditary breast and/or ovarian cancer syndrome. Identifiers: Orphanet 145, MedGen C0677776, MeSH D061325, MONDO:0003582. Disease mechanism: loss of function.
Breast-ovarian cancer, familial, susceptibility to, 1 (BROVCA1). Also called: OVARIAN CANCER, SUSCEPTIBILITY TO; BRCA1 Hereditary Breast and Ovarian Cancer. Identifiers: Orphanet 145, MedGen C2676676, MONDO:0011450, OMIM 604370. Disease mechanism: loss of function.

Submissions (5):

Myriad Genetics, Inc.
Classification: Likely benign for Breast-ovarian cancer, familial, susceptibility to, 1. Last evaluated: 2025-10-16. Review status: criteria provided, single submitter. Criteria: Myriad Autosomal Dominant, Autosomal Recessive and X-Linked Classification Criteria (2023). Collection method: clinical testing. Allele origin: unknown.
Comment: This variant is considered likely benign. This variant is strongly associated with less severe personal and family histories of cancer, typical for individuals without pathogenic variants in this gene [PMID: 25085752].

Labcorp Genetics (formerly Invitae), Labcorp
Classification: Uncertain significance for Hereditary breast ovarian cancer syndrome. Last evaluated: 2024-02-21. Review status: criteria provided, single submitter. Criteria: Invitae Variant Classification Sherloc (09022015). Collection method: clinical testing. Allele origin: germline.
Comment: This sequence change replaces lysine, which is basic and polar, with glutamic acid, which is acidic and polar, at codon 651 of the BRCA1 protein (p.Lys651Glu). This variant is not present in population databases (gnomAD no frequency). This variant has not been reported in the literature in individuals affected with BRCA1-related conditions. ClinVar contains an entry for this variant (Variation ID: 641842). Advanced modeling of protein sequence and biophysical properties (such as structural, functional, and spatial information, amino acid conservation, physicochemical variation, residue mobility, and thermodynamic stability) performed at Invitae indicates that this missense variant is not expected to disrupt BRCA1 protein function with a negative predictive value of 95%. In summary, the available evidence is currently insufficient to determine the role of this variant in disease. Therefore, it has been classified as a Variant of Uncertain Significance.

Women's Health and Genetics/Laboratory Corporation of America, LabCorp
Classification: Uncertain significance. Last evaluated: 2024-02-18. Review status: criteria provided, single submitter. Criteria: LabCorp Variant Classification Summary - May 2015. Collection method: clinical testing. Allele origin: germline.

Ambry Genetics
Classification: Uncertain significance for Hereditary cancer-predisposing syndrome. Last evaluated: 2024-02-04. Review status: criteria provided, single submitter. Criteria: Ambry Variant Classification Scheme 2023. Collection method: clinical testing. Allele origin: germline.
Comment: The p.K651E variant (also known as c.1951A>G), located in coding exon 9 of the BRCA1 gene, results from an A to G substitution at nucleotide position 1951. The lysine at codon 651 is replaced by glutamic acid, an amino acid with similar properties. This amino acid position is not well conserved in available vertebrate species. In addition, the in silico prediction for this alteration is inconclusive. Since supporting evidence is limited at this time, the clinical significance of this alteration remains unclear.

University of Washington Department of Laboratory Medicine, University of Washington
Classification: Likely benign for Hereditary cancer-predisposing syndrome. Last evaluated: 2023-03-23. Review status: criteria provided, single submitter. Criteria: Dines et al. (Genet Med. 2020). Collection method: curation. Allele origin: germline.
Comment: Missense variant in a coldspot region where missense variants are very unlikely to be pathogenic (PMID:31911673).

BRCA1 coldspot (exon 11 using historical exon numbering). Reclassification based on statistical prior probability

Literature cited by the submitters: PubMed 25085752 (cited by Myriad Genetics, Inc.); PubMed 24728327 (cited by Ambry Genetics).

NM_007294.4(BRCA1):c.1951A>G (p.Lys651Glu)

Gene: BRCA1 (BRCA1 DNA repair associated; minus strand). Cytogenetic location: 17q21.31.
Variant type: single nucleotide variant.
Coding change: c.1951A>G on transcript NM_007294.4 (MANE Select); coding-DNA position 1951, A replaced by G.
Protein change: p.Lys651Glu; replaces lysine 651 with glutamic acid.
Molecular consequence: missense variant. On other transcripts: intron variant (137).
Genome position (GRCh38, 1-based): chr17:43,093,580, T>C on the plus strand (A>G on the coding strand, the complement: BRCA1 is on the minus strand). VCF-style: chr17-43093580-T-C. GRCh37 (hg19) VCF-style: chr17-41245597-T-C.
Other names: c.1738A>G, p.Lys580Glu (NM_001407571.1, NM_001407915.1, NM_001407916.1 and 9 more transcripts); c.1951A>G, p.Lys651Glu (NM_001407581.1, NM_001407582.1, NM_001407583.1 and 30 more transcripts); c.1948A>G, p.Lys650Glu (NM_001407587.1, NM_001407590.1, NM_001407591.1 and 22 more transcripts); c.1873A>G, p.Lys625Glu (NM_001407655.1, NM_001407656.1, NM_001407657.1 and 4 more transcripts); c.1870A>G, p.Lys624Glu (NM_001407659.1, NM_001407660.1, NM_001407661.1 and 1 more transcripts); c.1828A>G, p.Lys610Glu (NM_001407674.1, NM_001407675.1, NM_001407676.1 and 19 more transcripts); c.1810A>G, p.Lys604Glu (NM_001407694.1, NM_001407695.1, NM_001407696.1 and 29 more transcripts); c.1807A>G, p.Lys603Glu (NM_001407740.1, NM_001407741.1, NM_001407742.1 and 20 more transcripts); and 40 more; short protein forms K604E, K651E, K523E, K524E, K583E, K650E, K355E, K540E.
Identifiers: ClinVar variation 641842 (VCV000641842.16), dbSNP rs1555590804, ClinGen allele CA10598120.
Genomic context (GRCh38, chr17:43,093,580, plus strand): 5'-CTTCCATGAGTTGTAGGTTTCTGCTGTGCCTGACTGGCATTTGGTTGTACTTTTTTTTCT[T>C]TATCTCTTCACTGCTAGAACAACTATCAATTTGCAATTCAGTACAATTAGGTGGGCTTAG-3'
Protein context (NP_009225.1, residues 641-661): IDSCSSSEEI[Lys651Glu]KKKYNQMPVR